The following is an entry in ClinVar:

ClinVar aggregate classification (germline): Uncertain significance (1 of 4 stars; one submission).

Allele frequency attached by ClinVar (database versions not stated): TOPMed below 0.00001; gnomAD 0.00001; gnomAD exomes 0.00001 and 0.00002; ExAC 0.00002.
gnomAD v4.1: 30 of 1,546,006 alleles (0.0019%); highest among the groups gnomAD compares: Non-Finnish European, 0.0026%; no homozygotes.

Submission:

Labcorp Genetics (formerly Invitae), Labcorp
Classification: Uncertain significance. Last evaluated: 2021-07-21. Review status: criteria provided, single submitter. Criteria: Invitae Variant Classification Sherloc (09022015). Collection method: clinical testing. Allele origin: germline.
Comment: This variant has not been reported in the literature in individuals affected with PDE6B-related conditions. This variant is present in population databases (rs770501384, ExAC 0.003%). This sequence change falls in intron 14 of the PDE6B gene. It does not directly change the encoded amino acid sequence of the PDE6B protein. It affects a nucleotide within the consensus splice site of the intron. Nucleotide substitutions within the consensus splice site are a relatively common cause of aberrant splicing (PMID: 17576681, 9536098). Algorithms developed to predict the effect of sequence changes on RNA splicing suggest that this variant may create or strengthen a splice site. In summary, the available evidence is currently insufficient to determine the role of this variant in disease. Therefore, it has been classified as a Variant of Uncertain Significance.

Literature cited by the submitters: PubMed 17576681; PubMed 9536098.

NM_000283.4(PDE6B):c.1832+4G>A

Gene: PDE6B (phosphodiesterase 6B; plus strand). Cytogenetic location: 4p16.3.
Variant type: single nucleotide variant.
Coding change: c.1832+4G>A on transcript NM_000283.4 (MANE Select); 4 bases into the intron after coding-DNA position 1832, G replaced by A.
Molecular consequence: intron variant.
Genome position (GRCh38, 1-based): chr4:662,622, G>A. VCF-style: chr4-662622-G-A. GRCh37 (hg19) VCF-style: chr4-656411-G-A.
Other names: c.1832+4G>A (NM_001145291.2); c.995+4G>A (NM_001379246.1, NM_001379247.1, NM_001145292.2 and 1 more transcripts); c.677+4G>A (NM_001350155.3).
Identifiers: ClinVar variation 1406718 (VCV001406718.6), dbSNP rs770501384, ClinGen allele CA2794697.
Genomic context (GRCh38, chr4:662,622, plus strand): 5'-AGCCGGCCTGTGCCATGACATCGACCACCGCGGCACCAACAACCTGTACCAGATGAAGTA[G>A]GCACCTCAGGGCGGGCATGTGAATTAGCCCTAAATCAACTCCACGCCCTTGGCGTGAATT-3'